The following is an entry in ClinVar:

NM_198282.4(STING1):c.851G>A (p.Arg284Lys)

Gene: STING1 (stimulator of interferon response cGAMP interactor 1; minus strand). Cytogenetic location: 5q31.2.
Variant type: single nucleotide variant.
Coding change: c.851G>A on transcript NM_198282.4 (MANE Select); coding-DNA position 851, G replaced by A.
Protein change: p.Arg284Lys; replaces arginine 284 with lysine.
Molecular consequence: missense variant. On other transcripts: intron variant (1).
Genome position (GRCh38, 1-based): chr5:139,477,424, C>T on the plus strand (G>A on the coding strand, the complement: STING1 is on the minus strand). VCF-style: chr5-139477424-C-T. GRCh37 (hg19) VCF-style: chr5-138857009-C-T.
Other names: c.494G>A, p.Arg165Lys (NM_001367258.1); c.759+846G>A (NM_001301738.2); short protein forms R165K, R284K.
Identifiers: ClinVar variation 3019646 (VCV003019646.3), dbSNP rs2547062066, ClinGen allele CA361479603.

ClinVar aggregate classification (germline): Uncertain significance (1 of 4 stars; one submission).

Conditions:
STING-associated vasculopathy with onset in infancy. Also called: Sting-associated vasculopathy, infantile-onset. Identifiers: Orphanet 425120, MedGen C4014722, MONDO:0014405, OMIM 615934.

Submission:

Labcorp Genetics (formerly Invitae), Labcorp
Classification: Uncertain significance for STING-associated vasculopathy with onset in infancy. Last evaluated: 2023-10-13. Review status: criteria provided, single submitter. Criteria: Invitae Variant Classification Sherloc (09022015). Collection method: clinical testing. Allele origin: germline.
Comment: This sequence change replaces arginine, which is basic and polar, with lysine, which is basic and polar, at codon 284 of the TMEM173 protein (p.Arg284Lys). This variant is not present in population databases (gnomAD no frequency). This variant has not been reported in the literature in individuals affected with TMEM173-related conditions. Advanced modeling of protein sequence and biophysical properties (such as structural, functional, and spatial information, amino acid conservation, physicochemical variation, residue mobility, and thermodynamic stability) performed at Invitae indicates that this missense variant is expected to disrupt TMEM173 protein function. Experimental studies have shown that this missense change affects TMEM173 function (PMID: 25790474). This variant disrupts the p.Arg284 amino acid residue in TMEM173. Other variant(s) that disrupt this residue have been determined to be pathogenic (PMID: 29694889, 30038614). This suggests that this residue is clinically significant, and that variants that disrupt this residue are likely to be disease-causing. In summary, the available evidence is currently insufficient to determine the role of this variant in disease. Therefore, it has been classified as a Variant of Uncertain Significance.

Literature cited by the submitters: PubMed 25790474; PubMed 29694889; PubMed 30038614.